The following is an entry in ClinVar:

ClinVar aggregate classification (germline): Uncertain significance. Review status: criteria provided, multiple submitters, no conflicts (2 of 4 stars). 6 submissions from 6 submitters: Uncertain significance (6). Last evaluated 2026-06-15.

Conditions:
Classic or attenuated familial adenomatous polyposis. Identifiers: MedGen CN372698, MONDO:0021057.
Hereditary cancer-predisposing syndrome. Also called: Hereditary Cancer Syndrome; Neoplastic Syndromes, Hereditary; Hereditary neoplastic syndrome; Tumor predisposition. Identifiers: Orphanet 140162, MedGen C0027672, MeSH D009386, MONDO:0015356.
Familial adenomatous polyposis 1 (FAP1). Also called: FAMILIAL ADENOMATOUS POLYPOSIS 1, ATTENUATED; POLYPOSIS, ADENOMATOUS INTESTINAL. Identifiers: MedGen C2713442, MONDO:0021056, OMIM 175100. Disease mechanism: loss of function.

Allele frequency attached by ClinVar (database versions not stated): gnomAD exomes below 0.00001.
gnomAD v4.1: 1 of 1,613,378 alleles (0.000062%); highest among the groups gnomAD compares: Admixed American, 0.0017%; no homozygotes.

Submissions (6):

Ambry Genetics
Classification: Uncertain significance for Hereditary cancer-predisposing syndrome. Last evaluated: 2026-06-15. Review status: criteria provided, single submitter. Criteria: Ambry Variant Classification Scheme 2023. Collection method: clinical testing. Allele origin: germline.

Quest Diagnostics Nichols Institute San Juan Capistrano
Classification: Uncertain significance. Last evaluated: 2025-10-17. Review status: criteria provided, single submitter. Criteria: Quest Diagnostics criteria. Collection method: clinical testing. Allele origin: unknown.
Comment: The APC c.1570G>T (p.Gly524Cys) variant has not been reported in individuals with APC-related conditions in the published literature. The frequency of this variant in the general population (Genome Aggregation Database) is uninformative in the assessment of its pathogenicity. Analysis of this variant using bioinformatics tools for the prediction of the effect of amino acid changes on protein structure and function yielded predictions that this variant is damaging. Based on the available information, we are unable to determine the clinical significance of this variant.

All of Us Research Program, National Institutes of Health
Classification: Uncertain significance for Classic or attenuated familial adenomatous polyposis. Last evaluated: 2024-09-23. Review status: criteria provided, single submitter. Criteria: ACMG Guidelines, 2015. Collection method: clinical testing. Allele origin: germline. Inheritance: Autosomal dominant inheritance. Observed: 1 variant allele, 1 heterozygote.
Comment: This study involves interpretation of variants in research participants for the purpose of population health screening. Participant phenotype was not available at the time of variant classification. Additional details can be found in publication PMID: 35346344, PMCID: PMC8962531

Labcorp Genetics (formerly Invitae), Labcorp
Classification: Uncertain significance for Familial adenomatous polyposis 1. Last evaluated: 2024-05-28. Review status: criteria provided, single submitter. Criteria: Invitae Variant Classification Sherloc (09022015). Collection method: clinical testing. Allele origin: germline.
Comment: This sequence change replaces glycine, which is neutral and non-polar, with cysteine, which is neutral and slightly polar, at codon 524 of the APC protein (p.Gly524Cys). This variant is present in population databases (no rsID available, gnomAD 0.003%). This variant has not been reported in the literature in individuals affected with APC-related conditions. ClinVar contains an entry for this variant (Variation ID: 1320977). Advanced modeling of protein sequence and biophysical properties (such as structural, functional, and spatial information, amino acid conservation, physicochemical variation, residue mobility, and thermodynamic stability) performed at Invitae indicates that this missense variant is not expected to disrupt APC protein function with a negative predictive value of 95%. In summary, the available evidence is currently insufficient to determine the role of this variant in disease. Therefore, it has been classified as a Variant of Uncertain Significance.

Baylor Genetics
Classification: Uncertain significance for Familial adenomatous polyposis 1. Last evaluated: 2023-11-30. Review status: criteria provided, single submitter. Criteria: ACMG Guidelines, 2015. Collection method: clinical testing. Allele origin: unknown.

GeneDx
Classification: Uncertain significance. Last evaluated: 2020-12-01. Review status: criteria provided, single submitter. Criteria: GeneDx Variant Classification Process June 2021. Collection method: clinical testing. Allele origin: germline. Affected: yes.
Comment: Not observed at a significant frequency in large population cohorts (Lek 2016); In silico analysis supports that this missense variant has a deleterious effect on protein structure/function; Has not been previously published as pathogenic or benign to our knowledge

NM_000038.6(APC):c.1570G>T (p.Gly524Cys)

Gene: APC (APC regulator of Wnt signaling pathway; plus strand). Cytogenetic location: 5q22.2.
Variant type: single nucleotide variant.
Coding change: c.1570G>T on transcript NM_000038.6 (MANE Select); coding-DNA position 1570, G replaced by T.
Protein change: p.Gly524Cys; replaces glycine 524 with cysteine.
Molecular consequence: missense variant.
Genome position (GRCh38, 1-based): chr5:112,827,950, G>T. VCF-style: chr5-112827950-G-T. GRCh37 (hg19) VCF-style: chr5-112163647-G-T.
Other names: c.1570G>T, p.Gly524Cys (NM_001127510.3, NM_001354895.2); c.1516G>T, p.Gly506Cys (NM_001127511.3); c.1624G>T, p.Gly542Cys (NM_001354896.2); c.1600G>T, p.Gly534Cys (NM_001354897.2); c.1495G>T, p.Gly499Cys (NM_001354898.2); c.1486G>T, p.Gly496Cys (NM_001354899.2); c.1447G>T, p.Gly483Cys (NM_001354900.2); c.1393G>T, p.Gly465Cys (NM_001354901.2); and 5 more; short protein forms G241C, G364C, G398C, G423C, G433C, G465C, G483C, G496C.
Identifiers: ClinVar variation 1320977 (VCV001320977.9), dbSNP rs1174962542, ClinGen allele CA16024739.